The following is an entry in ClinVar:

NM_014629.4(ARHGEF10):c.1284G>C (p.Glu428Asp)

Gene: ARHGEF10 (Rho guanine nucleotide exchange factor 10; plus strand). Cytogenetic location: 8p23.3.
Variant type: single nucleotide variant.
Coding change: c.1284G>C on transcript NM_014629.4 (MANE Select); coding-DNA position 1284, G replaced by C.
Protein change: p.Glu428Asp; replaces glutamic acid 428 with aspartic acid.
Molecular consequence: missense variant.
Genome position (GRCh38, 1-based): chr8:1,894,416, G>C. VCF-style: chr8-1894416-G-C. GRCh37 (hg19) VCF-style: chr8-1842582-G-C.
Other names: c.1170G>C, p.Glu390Asp (NM_001308152.2); c.1287G>C, p.Glu429Asp (NM_001308153.3); short protein forms E453D, E390D, E428D, E429D.
Identifiers: ClinVar variation 2965997 (VCV002965997.3), dbSNP rs371244507, ClinGen allele CA4600319.
Genomic context (GRCh38, chr8:1,894,416, plus strand): 5'-AGAAAAGTCTGAACTGTCTTTGCTCATTTTGTCTTAGCAATATGAGAAGCCGCTGTCTGA[G>C]ATGGAGCCAAAGGTTCTGAGTGAGAGGAAGCTGAAGACGGTGTTCTACCGAGTCAAAGAG-3'
Protein context (NP_055444.2, residues 418-438): ILEQYEKPLS[Glu428Asp]MEPKVLSERK

ClinVar aggregate classification (germline): Uncertain significance (1 of 4 stars; one submission).

Allele frequency attached by ClinVar (database versions not stated): gnomAD 0.00003; ESP Exome Variant Server 0.00008; ExAC 0.00001; TOPMed 0.00003.
gnomAD v4.1: 43 of 1,614,120 alleles (0.0027%); highest among the groups gnomAD compares: African/African-American, 0.0053%; no homozygotes.

Submission:

Labcorp Genetics (formerly Invitae), Labcorp
Classification: Uncertain significance. Last evaluated: 2025-03-26. Review status: criteria provided, single submitter. Criteria: Invitae Variant Classification Sherloc (09022015). Collection method: clinical testing. Allele origin: germline.
Comment: This sequence change replaces glutamic acid, which is acidic and polar, with aspartic acid, which is acidic and polar, at codon 428 of the ARHGEF10 protein (p.Glu428Asp). This variant is present in population databases (rs371244507, gnomAD 0.002%). This variant has not been reported in the literature in individuals affected with ARHGEF10-related conditions. ClinVar contains an entry for this variant (Variation ID: 2965997). Invitae Evidence Modeling of protein sequence and biophysical properties (such as structural, functional, and spatial information, amino acid conservation, physicochemical variation, residue mobility, and thermodynamic stability) indicates that this missense variant is not expected to disrupt ARHGEF10 protein function with a negative predictive value of 80%. In summary, the available evidence is currently insufficient to determine the role of this variant in disease. Therefore, it has been classified as a Variant of Uncertain Significance.